The following is an entry in ClinVar:

NM_030665.4(RAI1):c.3183G>A (p.Thr1061=)

Gene: RAI1 (retinoic acid induced 1; plus strand). Cytogenetic location: 17p11.2.
Variant type: single nucleotide variant.
Coding change: c.3183G>A on transcript NM_030665.4 (MANE Select); coding-DNA position 3183, G replaced by A.
Protein change: p.Thr1061=; no amino-acid change (threonine 1061 retained).
Molecular consequence: synonymous variant.
Genome position (GRCh38, 1-based): chr17:17,796,131, G>A. VCF-style: chr17-17796131-G-A. GRCh37 (hg19) VCF-style: chr17-17699445-G-A.
Other names: c.3183G>A (NM_030665.3).
Identifiers: ClinVar variation 1594270 (VCV001594270.10), dbSNP rs774189404, ClinGen allele CA8418681.

ClinVar aggregate classification (germline): Benign. Review status: criteria provided, single submitter (1 of 4 stars). 2 submissions from 2 submitters: Benign (1). 1 of the submissions does not count toward it. Last evaluated 2025-12-30.

Conditions:
RAI1-related disorder. Also called: RAI1-related condition.

Allele frequency attached by ClinVar (database versions not stated): gnomAD exomes 0.00003; ExAC 0.00006; gnomAD 0.00007 and 0.00008; TOPMed 0.00014.

Submissions (2):

Labcorp Genetics (formerly Invitae), Labcorp
Classification: Benign. Last evaluated: 2025-12-30. Review status: criteria provided, single submitter. Criteria: Invitae Variant Classification Sherloc (09022015). Collection method: clinical testing. Allele origin: germline.

PreventionGenetics, part of Exact Sciences
Classification: Likely benign for RAI1-related condition. Last evaluated: 2022-04-12. Review status: no assertion criteria provided. Collection method: clinical testing. Allele origin: germline. Not counted in ClinVar's aggregate classification.
Comment: This variant is classified as likely benign based on ACMG/AMP sequence variant interpretation guidelines (Richards et al. 2015 PMID: 25741868, with internal and published modifications).